The following is an entry in ClinVar:

NM_001077415.3(CRELD1):c.1055C>T (p.Ala352Val)

Gene: CRELD1 (CRELD disulfide isomerase 1; plus strand). Cytogenetic location: 3p25.3.
Variant type: single nucleotide variant.
Coding change: c.1055C>T on transcript NM_001077415.3 (MANE Select); coding-DNA position 1055, C replaced by T.
Protein change: p.Ala352Val; replaces alanine 352 with valine.
Molecular consequence: missense variant. On other transcripts: nonsense (3), 3 prime UTR variant (1), non-coding transcript variant (3).
Genome position (GRCh38, 1-based): chr3:9,944,371, C>T. VCF-style: chr3-9944371-C-T. GRCh37 (hg19) VCF-style: chr3-9986055-C-T.
Other names: c.1249C>T, p.Gln417Ter (NM_001031717.4); c.1055C>T, p.Ala352Val (NM_001374316.1, NM_015513.6); c.1261C>T, p.Gln421Ter (NM_001374317.1, NM_001374318.1); c.971C>T, p.Ala324Val (NM_001374319.1, NM_001374320.1); c.*620C>T (NM_001410713.1); short protein forms A324V, A352V, Q417*, Q421*.
Identifiers: ClinVar variation 2579857 (VCV002579857.2), dbSNP rs1575654644, ClinGen allele CA351730239.
Genomic context (GRCh38, chr3:9,944,371, plus strand): 5'-AACTACCAGGAACAGGGATACGAGTGCCAGGCTGCATCTCTTGCTCCTCTGCAGAGTCAG[C>T]AGGCTTCTTCTCAGAGATGACAGAAGACGAGTTGGTGGTGCTGCAGCAGATGTTCTTTGG-3'
Protein context (NP_001070883.2, residues 342-362): ICVKEQIPES[Ala352Val]GFFSEMTEDE

ClinVar aggregate classification (germline): Uncertain significance (1 of 4 stars; one submission).

Submission:

GeneDx
Classification: Uncertain significance. Last evaluated: 2024-11-27. Review status: criteria provided, single submitter. Criteria: GeneDx Variant Classification Process June 2021. Collection method: clinical testing. Allele origin: germline.
Comment: Not observed at significant frequency in large population cohorts (gnomAD); In silico analysis indicates that this missense variant does not alter protein structure/function; Has not been previously published as pathogenic or benign to our knowledge